The following is an entry in ClinVar:

ClinVar aggregate classification (germline): Uncertain significance (1 of 4 stars; one submission).

Conditions:
Generalized epilepsy with febrile seizures plus, type 7 (GEFSP7). Also called: GEFS+, TYPE 7. Identifiers: Orphanet 36387, MedGen C2751778, MONDO:0013470, OMIM 613863.
Neuropathy, hereditary sensory and autonomic, type 2A (HSAN2A). Also called: HSAN IIA; WNK1-Related HSAN2 (HSAN2A); MORVAN DISEASE; NEUROPATHY, CONGENITAL SENSORY; NEUROPATHY, HEREDITARY SENSORY RADICULAR, AUTOSOMAL RECESSIVE; NEUROPATHY, HEREDITARY SENSORY, TYPE IIA. Identifiers: Orphanet 970, MedGen C2752089, MONDO:0024309, OMIM 201300.

Submission:

Labcorp Genetics (formerly Invitae), Labcorp
Classification: Uncertain significance for Neuropathy, hereditary sensory and autonomic, type 2A; Generalized epilepsy with febrile seizures plus, type 7. Last evaluated: 2022-07-25. Review status: criteria provided, single submitter. Criteria: Invitae Variant Classification Sherloc (09022015). Collection method: clinical testing. Allele origin: germline.
Comment: This sequence change replaces isoleucine, which is neutral and non-polar, with methionine, which is neutral and non-polar, at codon 1545 of the SCN9A protein (p.Ile1545Met). This variant is not present in population databases (gnomAD no frequency). This variant has not been reported in the literature in individuals affected with SCN9A-related conditions. ClinVar contains an entry for this variant (Variation ID: 1480815). Algorithms developed to predict the effect of missense changes on protein structure and function are either unavailable or do not agree on the potential impact of this missense change (SIFT: "Deleterious"; PolyPhen-2: "Benign"; Align-GVGD: "Class C0"). In summary, the available evidence is currently insufficient to determine the role of this variant in disease. Therefore, it has been classified as a Variant of Uncertain Significance.

NM_001365536.1(SCN9A):c.4668C>G (p.Ile1556Met)

Genes: SCN1A-AS1 (SCN1A and SCN9A antisense RNA 1; plus strand), SCN9A (sodium voltage-gated channel alpha subunit 9; minus strand). Cytogenetic location: 2q24.3.
Variant type: single nucleotide variant.
Coding change: c.4668C>G on transcript NM_001365536.1 (MANE Select); coding-DNA position 4668, C replaced by G.
Protein change: p.Ile1556Met; replaces isoleucine 1556 with methionine.
Molecular consequence: missense variant.
Genome position (GRCh38, 1-based): chr2:166,204,061, G>C on the plus strand (C>G on the coding strand, the complement: SCN9A is on the minus strand). VCF-style: chr2-166204061-G-C. GRCh37 (hg19) VCF-style: chr2-167060571-G-C.
Other names: c.4635C>G, p.Ile1545Met (NM_002977.4); short protein forms I1556M, I1545M.
Identifiers: ClinVar variation 1480815 (VCV001480815.6), dbSNP rs771245206, ClinGen allele CA349057481.
Genomic context (GRCh38, chr2:166,204,061, plus strand): 5'-TACAGTGAAGTAGTAGTGTCTGAGGGAGATCAGTTTTAGCACACATTCTCCAGTGAAAAG[G>C]ATTATAAAAACCACATTTATCCAATATAAAACTTCAGTCATATGTTGACTTTGACCCTCC-3'
Protein context (NP_001352465.1, residues 1546-1566): VLYWINVVFI[Ile1556Met]LFTGECVLKL